The following is an entry in ClinVar:

ClinVar aggregate classification (germline): Uncertain significance (1 of 4 stars; one submission).

Conditions:
Facioscapulohumeral muscular dystrophy 2 (FSHD2). Also called: FACIOSCAPULOHUMERAL MUSCULAR DYSTROPHY 2, DIGENIC; FSHD2, DIGENIC; MUSCULAR DYSTROPHY, FACIOSCAPULOHUMERAL, TYPE 1B. Identifiers: Orphanet 269, MedGen C1834671, MONDO:0008031, OMIM 158901.

Submission:

Labcorp Genetics (formerly Invitae), Labcorp
Classification: Uncertain significance for Facioscapulohumeral muscular dystrophy 2. Last evaluated: 2025-01-30. Review status: criteria provided, single submitter. Criteria: Invitae Variant Classification Sherloc (09022015). Collection method: clinical testing. Allele origin: germline.
Comment: This sequence change replaces proline, which is neutral and non-polar, with serine, which is neutral and polar, at codon 1552 of the SMCHD1 protein (p.Pro1552Ser). This variant is not present in population databases (gnomAD no frequency). This variant has not been reported in the literature in individuals affected with SMCHD1-related conditions. Invitae Evidence Modeling of protein sequence and biophysical properties (such as structural, functional, and spatial information, amino acid conservation, physicochemical variation, residue mobility, and thermodynamic stability) indicates that this missense variant is expected to disrupt SMCHD1 protein function with a positive predictive value of 80%. In summary, the available evidence is currently insufficient to determine the role of this variant in disease. Therefore, it has been classified as a Variant of Uncertain Significance.

NM_015295.3(SMCHD1):c.4654C>T (p.Pro1552Ser)

Gene: SMCHD1 (structural maintenance of chromosomes flexible hinge domain containing 1; plus strand). Cytogenetic location: 18p11.32.
Variant type: single nucleotide variant.
Coding change: c.4654C>T on transcript NM_015295.3 (MANE Select); coding-DNA position 4654, C replaced by T.
Protein change: p.Pro1552Ser; replaces proline 1552 with serine.
Molecular consequence: missense variant.
Genome position (GRCh38, 1-based): chr18:2,763,724, C>T. VCF-style: chr18-2763724-C-T. GRCh37 (hg19) VCF-style: chr18-2763722-C-T.
Other names: short protein forms P1552S.
Identifiers: ClinVar variation 3621596 (VCV003621596.2).